The following is an entry in ClinVar:

ClinVar aggregate classification (germline): Uncertain significance. Review status: criteria provided, multiple submitters, no conflicts (2 of 4 stars). 5 submissions from 5 submitters: Uncertain significance (4). 1 of the submissions does not count toward it. Last evaluated 2026-07-01.

Conditions:
Glycogen storage disease, type II (IOPD). Also called: POMPE DISEASE, INFANTILE-ONSET; GLYCOGEN STORAGE DISEASE II, INFANTILE-ONSET; ACID ALPHA-GLUCOSIDASE DEFICIENCY, INFANTILE-ONSET; GAA DEFICIENCY, INFANTILE-ONSET; ACID MALTASE DEFICIENCY, INFANTILE-ONSET; GLYCOGENOSIS, GENERALIZED, CARDIAC FORM. Identifiers: Orphanet 365, MedGen C0017921, MONDO:0009290, OMIM 232300.

Allele frequency attached by ClinVar (database versions not stated): gnomAD 0.00001; ExAC 0.00002; TOPMed 0.00002.
gnomAD v4.1: 18 of 1,612,864 alleles (0.0011%); highest among the groups gnomAD compares: Non-Finnish European, 0.0014%; no homozygotes.

Submissions (5):

Genomenon, Inc
Classification: Uncertain significance for Glycogen storage disease, type II. Last evaluated: 2026-07-01. Review status: criteria provided, single submitter. Criteria: Genomenon Sequence Variant Interpretation Standards - Updated. Collection method: curation. Allele origin: germline. Affected: yes.
Comment: GAA p.Ala17Thr (c.49G>A) is a missense variant that changes the amino acid at codon 17 from Alanine to Threonine. This variant has been observed in at least one proband with a GAA-related disorder (PMID:40225932). It is absent or not present at a significant frequency in gnomAD. In silico models predict that this variant is not damaging. In conclusion, we classify GAA p.Ala17Thr (c.49G>A) as a variant of uncertain significance.

Labcorp Genetics (formerly Invitae), Labcorp
Classification: Uncertain significance for Glycogen storage disease, type II. Last evaluated: 2025-01-28. Review status: criteria provided, single submitter. Criteria: Invitae Variant Classification Sherloc (09022015). Collection method: clinical testing. Allele origin: germline.
Comment: This sequence change replaces alanine, which is neutral and non-polar, with threonine, which is neutral and polar, at codon 17 of the GAA protein (p.Ala17Thr). This variant is present in population databases (rs751425831, gnomAD 0.003%). This variant has not been reported in the literature in individuals affected with GAA-related conditions. ClinVar contains an entry for this variant (Variation ID: 456423). Invitae Evidence Modeling of protein sequence and biophysical properties (such as structural, functional, and spatial information, amino acid conservation, physicochemical variation, residue mobility, and thermodynamic stability) indicates that this missense variant is not expected to disrupt GAA protein function with a negative predictive value of 95%. In summary, the available evidence is currently insufficient to determine the role of this variant in disease. Therefore, it has been classified as a Variant of Uncertain Significance.

GeneDx
Classification: Uncertain significance. Last evaluated: 2024-05-22. Review status: criteria provided, single submitter. Criteria: GeneDx Variant Classification Process June 2021. Collection method: clinical testing. Allele origin: germline. Affected: yes.
Comment: Not observed at significant frequency in large population cohorts (gnomAD); In silico analysis indicates that this missense variant does not alter protein structure/function; Has not been previously published as pathogenic or benign to our knowledge

CeGaT Center for Human Genetics Tuebingen
Classification: Uncertain significance. Last evaluated: 2023-12-01. Review status: criteria provided, single submitter. Criteria: CeGaT Center For Human Genetics Tuebingen Variant Classification Criteria Version 2. Collection method: clinical testing. Allele origin: germline. Affected: yes. Observed: 1 variant allele.
Comment: GAA: PM2, BP4

Natera, Inc.
Classification: Uncertain significance for Glycogen storage disease type II. Last evaluated: 2019-10-28. Review status: no assertion criteria provided. Collection method: clinical testing. Allele origin: germline. Not counted in ClinVar's aggregate classification.

Literature cited by the submitters: PubMed 40225932 (cited by Genomenon, Inc).

NM_000152.5(GAA):c.49G>A (p.Ala17Thr)

Gene: GAA (alpha glucosidase; plus strand). Cytogenetic location: 17q25.3.
Variant type: single nucleotide variant.
Coding change: c.49G>A on transcript NM_000152.5 (MANE Select); coding-DNA position 49, G replaced by A.
Protein change: p.Ala17Thr; replaces alanine 17 with threonine.
Molecular consequence: missense variant.
Genome position (GRCh38, 1-based): chr17:80,104,635, G>A. VCF-style: chr17-80104635-G-A. GRCh37 (hg19) VCF-style: chr17-78078434-G-A.
Other names: c.49G>A, p.Ala17Thr (NM_001079803.3, NM_001079804.3); c.49G>A (LRG_673t1); short protein forms A17T.
Identifiers: ClinVar variation 456423 (VCV000456423.36), dbSNP rs751425831, ClinGen allele CA8814772.